The following is an entry in ClinVar:

ClinVar aggregate classification (germline): Pathogenic (1 of 4 stars; one submission).

Conditions:
Cerebral creatine deficiency syndrome. Also called: Creatine deficiency syndromes. Identifiers: Orphanet 79172, MedGen C5244016, MONDO:0000456.

gnomAD v4.1: 1 of 1,613,776 alleles (0.000062%); highest among the groups gnomAD compares: African/African-American, 0.0013%; no homozygotes.

Submission:

Labcorp Genetics (formerly Invitae), Labcorp
Classification: Pathogenic for Cerebral creatine deficiency syndrome. Last evaluated: 2024-03-27. Review status: criteria provided, single submitter. Criteria: Invitae Variant Classification Sherloc (09022015). Collection method: clinical testing. Allele origin: germline.
Comment: This sequence change creates a premature translational stop signal (p.Glu141*) in the GAMT gene. It is expected to result in an absent or disrupted protein product. Loss-of-function variants in GAMT are known to be pathogenic (PMID: 15108290). This variant is present in population databases (no rsID available, gnomAD 0.007%). This variant has not been reported in the literature in individuals affected with GAMT-related conditions. For these reasons, this variant has been classified as Pathogenic.

Literature cited by the submitters: PubMed 15108290.

NM_000156.6(GAMT):c.421G>T (p.Glu141Ter)

Gene: GAMT (guanidinoacetate N-methyltransferase; minus strand). Cytogenetic location: 19p13.3.
Variant type: single nucleotide variant.
Coding change: c.421G>T on transcript NM_000156.6 (MANE Select); coding-DNA position 421, G replaced by T.
Protein change: p.Glu141Ter; replaces glutamic acid 141 with a stop codon.
Molecular consequence: nonsense.
Genome position (GRCh38, 1-based): chr19:1,399,166, C>A on the plus strand (G>T on the coding strand, the complement: GAMT is on the minus strand). VCF-style: chr19-1399166-C-A. GRCh37 (hg19) VCF-style: chr19-1399165-C-A.
Other names: c.421G>T, p.Glu141Ter (NM_138924.3); short protein forms E141*.
Identifiers: ClinVar variation 3647812 (VCV003647812.2).